The following is an entry in ClinVar:

ClinVar aggregate classification (germline): Conflicting classifications of pathogenicity. Review status: criteria provided, conflicting classifications (1 of 4 stars). 3 submissions from 3 submitters: Uncertain significance (2); Likely benign (1). Last evaluated 2024-09-01.

Conditions:
Familial sleep-related hypermotor epilepsy. Also called: Autosomal Dominant Sleep-Related Hypermotor (Hyperkinetic) Epilepsy. Identifiers: Orphanet 98784, MedGen C3696898, MONDO:0000030.
Inborn genetic diseases. Identifiers: MedGen C0950123, MeSH D030342.

Allele frequency attached by ClinVar (database versions not stated): TOPMed below 0.00001; gnomAD 0.00001; gnomAD exomes 0.00001.
gnomAD v4.1: 8 of 1,600,136 alleles (0.0005%); highest among the groups gnomAD compares: Non-Finnish European, 0.00068%; no homozygotes.

Submissions (3):

CeGaT Center for Human Genetics Tuebingen
Classification: Uncertain significance. Last evaluated: 2024-09-01. Review status: criteria provided, single submitter. Criteria: CeGaT Center For Human Genetics Tuebingen Variant Classification Criteria Version 2. Collection method: clinical testing. Allele origin: germline. Affected: yes. Observed: 1 variant allele.
Comment: CHRNA4: PM2

Labcorp Genetics (formerly Invitae), Labcorp
Classification: Likely benign. Last evaluated: 2022-11-15. Review status: criteria provided, single submitter. Criteria: Invitae Variant Classification Sherloc (09022015). Collection method: clinical testing. Allele origin: germline.

Ambry Genetics
Classification: Uncertain significance for Inborn genetic diseases. Last evaluated: 2017-12-18. Review status: criteria provided, single submitter. Criteria: Ambry Variant Classification Scheme 2023. Collection method: clinical testing. Allele origin: germline.
Comment: The p.C529R variant (also known as c.1585T>C), located in coding exon 5 of the CHRNA4 gene, results from a T to C substitution at nucleotide position 1585. The cysteine at codon 529 is replaced by arginine, an amino acid with highly dissimilar properties. This amino acid position is well conserved in available vertebrate species. In addition, this alteration is predicted to be tolerated by in silico analysis. Since supporting evidence is limited at this time, the clinical significance of this alteration remains unclear.

NM_000744.7(CHRNA4):c.1585T>C (p.Cys529Arg)

Gene: CHRNA4 (cholinergic receptor nicotinic alpha 4 subunit; minus strand). Cytogenetic location: 20q13.33.
Variant type: single nucleotide variant.
Coding change: c.1585T>C on transcript NM_000744.7 (MANE Select); coding-DNA position 1585, T replaced by C.
Protein change: p.Cys529Arg; replaces cysteine 529 with arginine.
Molecular consequence: missense variant. On other transcripts: non-coding transcript variant (1).
Genome position (GRCh38, 1-based): chr20:63,349,826, A>G on the plus strand (T>C on the coding strand, the complement: CHRNA4 is on the minus strand). VCF-style: chr20-63349826-A-G. GRCh37 (hg19) VCF-style: chr20-61981178-A-G.
Other names: c.1057T>C, p.Cys353Arg (NM_001256573.2); short protein forms C353R, C529R.
Identifiers: ClinVar variation 1529380 (VCV001529380.24), dbSNP rs112515579, ClinGen allele CA317431772.